The following is an entry in ClinVar:

NM_000543.5(SMPD1):c.1493G>A (p.Arg498His)

Gene: SMPD1 (sphingomyelin phosphodiesterase 1; plus strand). Cytogenetic location: 11p15.4.
Variant type: single nucleotide variant.
Coding change: c.1493G>A on transcript NM_000543.5 (MANE Select); coding-DNA position 1493, G replaced by A.
Protein change: p.Arg498His; replaces arginine 498 with histidine.
Molecular consequence: missense variant. On other transcripts: non-coding transcript variant (2).
Genome position (GRCh38, 1-based): chr11:6,394,204, G>A. VCF-style: chr11-6394204-G-A. GRCh37 (hg19) VCF-style: chr11-6415434-G-A.
Other names: c.1490G>A, p.Arg497His (NM_001007593.3); c.1513G>A, p.Val505Met (NM_001318087.2); c.572G>A, p.Arg191His (NM_001318088.2); c.1361G>A, p.Arg454His (NM_001365135.2); short protein forms R498H, R454H, V505M, R191H, R497H.
Identifiers: ClinVar variation 167712 (VCV000167712.45), dbSNP rs120074117, ClinGen allele CA234971.
Genomic context (GRCh38, chr11:6,394,204, plus strand): 5'-TCCCTGGAGTTACCCTTGCTCCTTGCCCCTCCAGTCAGCCCCACATCCTTGCAGGTTACC[G>A]TGTGTACCAAATAGATGGAAACTACTCCGGGAGCTCTCACGTGGTCCTGGACCATGAGAC-3'
Protein context (NP_000534.3, residues 488-508): TTYIGLNPGY[Arg498His]VYQIDGNYSG

ClinVar aggregate classification (germline): Pathogenic/Likely pathogenic. Review status: criteria provided, multiple submitters, no conflicts (2 of 4 stars). 10 submissions from 10 submitters: Pathogenic (6); Likely pathogenic (4). Last evaluated 2025-11-17.

Conditions:
Niemann-Pick disease, type A. Also called: Infantile Neurovisceral ASMD (Niemann-Pick Disease Type A; NPD-A); SPHINGOMYELIN LIPIDOSIS; SPHINGOMYELINASE DEFICIENCY. Identifiers: Orphanet 77292, MedGen C0268242, MONDO:0009756, OMIM 257200. Disease mechanism: loss of function.
Niemann-Pick disease, type B. Also called: Chronic Visceral ASMD (Niemann-Pick Disease Type B; NPD-B). Identifiers: Orphanet 77293, MedGen C0268243, MONDO:0011871, OMIM 607616. Disease mechanism: loss of function.
Sphingomyelin/cholesterol lipidosis. Also called: Niemann-Pick disease. Identifiers: MedGen C0028064, MONDO:0001982.
Abnormality of metabolism/homeostasis. Identifiers: MedGen C4021768, HP:0001939.

Allele frequency attached by ClinVar (database versions not stated): TOPMed 0.00001.
gnomAD v4.1: 10 of 1,614,126 alleles (0.00062%); highest among the groups gnomAD compares: South Asian, 0.0077%; no homozygotes.

Submissions (10):

Natera, Inc.
Classification: Pathogenic for Niemann-Pick Disease, Types A/B. Last evaluated: 2025-11-17. Review status: criteria provided, single submitter. Criteria: Natera Variant Classification Schema (03/2026). Collection method: clinical testing. Allele origin: germline.
Comment: The c.1493G>A variant in SMPD1 is a missense variant predicted to cause substitution of arginine to histidine at amino acid 498. This variant is rare in the general population with a frequency below the threshold expected for the associated phenotype(s). This variant has been observed in one or more individuals affected with the associated recessive disease, as either homozygous or compound heterozygous with a second variant (PMID: 15221801, 32292456). Computational prediction algorithms indicate this variant is likely to affect gene or protein function. Given the available evidence, this variant is classified as Pathogenic.

Labcorp Genetics (formerly Invitae), Labcorp
Classification: Pathogenic for Niemann-Pick disease, type B; Niemann-Pick disease, type A. Last evaluated: 2024-10-22. Review status: criteria provided, single submitter. Criteria: Invitae Variant Classification Sherloc (09022015). Collection method: clinical testing. Allele origin: germline.
Comment: This sequence change replaces arginine, which is basic and polar, with histidine, which is basic and polar, at codon 498 of the SMPD1 protein (p.Arg498His). This variant is present in population databases (rs120074117, gnomAD 0.006%). This missense change has been observed in individuals with Niemann-Pick disease (PMID: 15221801, 27338287, 31965297, 32292456; internal data). This variant is also known as c.1487G>A, p.R496H. ClinVar contains an entry for this variant (Variation ID: 167712). Invitae Evidence Modeling of protein sequence and biophysical properties (such as structural, functional, and spatial information, amino acid conservation, physicochemical variation, residue mobility, and thermodynamic stability) indicates that this missense variant is expected to disrupt SMPD1 protein function with a positive predictive value of 95%. This variant disrupts the p.Arg498 amino acid residue in SMPD1. Other variant(s) that disrupt this residue have been determined to be pathogenic (PMID: 1391960, 1885770, 2023926). This suggests that this residue is clinically significant, and that variants that disrupt this residue are likely to be disease-causing. For these reasons, this variant has been classified as Pathogenic.

Fulgent Genetics
Classification: Pathogenic for Niemann-Pick disease, type A; Niemann-Pick disease, type B. Last evaluated: 2024-06-24. Review status: criteria provided, single submitter. Criteria: ACMG Guidelines, 2015. Collection method: clinical testing. Allele origin: germline.

Baylor Genetics
Classification: Pathogenic for Niemann-Pick disease, type A. Last evaluated: 2024-03-11. Review status: criteria provided, single submitter. Criteria: ACMG Guidelines, 2015. Collection method: clinical testing. Allele origin: unknown.

GeneDx
Classification: Pathogenic. Last evaluated: 2023-12-15. Review status: criteria provided, single submitter. Criteria: GeneDx Variant Classification Process June 2021. Collection method: clinical testing. Allele origin: germline. Affected: yes.
Comment: Not observed at significant frequency in large population cohorts (gnomAD); In silico analysis supports that this missense variant has a deleterious effect on protein structure/function; Also known as p.(R496H); This variant is associated with the following publications: (PMID: 31589614, 15221801, 31980526, 34273913, 33083013, 27338287, 32292456, 31965297, 33675270, 35534800, 34554397, 2023926)

Kariminejad - Najmabadi Pathology & Genetics Center
Classification: Likely pathogenic for Abnormality of metabolism/homeostasis. Last evaluated: 2021-07-10. Review status: criteria provided, single submitter. Criteria: ACMG Guidelines, 2015. Collection method: clinical testing. Allele origin: germline. Affected: yes.

Diagnostics Division, CENTRE FOR DNA FINGERPRINTING AND DIAGNOSTICS
Classification: Likely pathogenic for Niemann-Pick disease, type A. Last evaluated: 2021-04-25. Review status: criteria provided, single submitter. Criteria: ACMG Guidelines, 2015. Collection method: research. Allele origin: germline. Affected: yes. Observed: 1 variant allele.

Broad Center for Mendelian Genomics, Broad Institute of MIT and Harvard
Classification: Likely pathogenic for Sphingomyelin/cholesterol lipidosis. Last evaluated: 2020-01-22. Review status: criteria provided, single submitter. Criteria: ACMG Guidelines, 2015. Collection method: curation. Allele origin: germline. Inheritance: Autosomal recessive inheritance.
Comment: The p.Arg498His variant in SMPD1 (also known as p.Arg496His due to a difference in cDNA numbering) has been reported in at least 2 individuals with Niemann-Pick disease (PMID: 27338287, 15221801) and has been identified in 0.007% (2/30614) of South Asian chromosomes and 0.001% (1/113412) of European (non-Finnish) chromosomes by the Genome Aggregation Database (gnomAD; dbSNP rs120074117). Although this variant has been seen in the general population, its frequency is low enough to be consistent with a recessive carrier frequency. This variant has also been reported in ClinVar (VariationID: 198095) as likely pathogenic by EGL Genetic Diagnostics. Computational prediction tools and conservation analyses suggest that this variant may impact the protein, though this information is not predictive enough to determine pathogenicity. The presence of this variant in an affected homozygote and in combination with a reported pathogenic variant in an individual with Niemann-Pick disease increases the likelihood that the p.Arg498His variant is pathogenic (VariationID: 167710; PMID: 27338287, 15221801). The phenotype of an individual compound heterozygous for this variant is highly specific for Niemann-Pick disease based on acid sphingomyelinase activity being <10% of normal, consistent with disease (PMID: 27338287). Multiple variants in the same region as p.Arg498His have been reported in association with disease in ClinVar and the literature and the variant is located in a region of SMPD1 that is essential to protein folding and stability, suggesting that this variant is in a hot spot and functional domain and supports pathogenicity (VariationID: 2980, 198095; PMID: 18815062, 27725636; DOI: 10.1111/febs.13655). Two additional pathogenic and likely pathogenic variants, resulting in a different amino acid change at the same position, p.Arg498Leu and p.Arg498Cys have been reported in association with disease in the literature and ClinVar, supporting that a change at this position may not be tolerated (VariationID: 2980, 198095; PMID: 29995201, 18815062, 15221801, 27338287, 25834946, 23356216). In summary, although additional studies are required to fully establish its clinical significance, this variant is likely pathogenic. ACMG/AMP Criteria applied: PM2, PM5, PM1, PM3, PP3, PP4 (Richards 2015).

Eurofins Ntd Llc (ga)
Classification: Likely pathogenic. Last evaluated: 2014-01-08. Review status: criteria provided, single submitter. Criteria: EGL Classification Definitions. Collection method: clinical testing. Allele origin: germline. Observed: 4 variant alleles, 4 heterozygotes.

CENTOGENE GmbH and LLC - Guiding Precision Medicine
Classification: Pathogenic for Niemann-Pick disease, type A; Niemann-Pick disease, type B. Review status: criteria provided, single submitter. Criteria: ACMG Guidelines, 2015. Collection method: clinical testing. Allele origin: germline. Affected: yes.

Literature cited by the submitters: PubMed 15221801 (cited by 3 submitters); PubMed 32292456 (cited by Natera, Inc. and Labcorp Genetics (formerly Invitae), Labcorp); PubMed 27338287 (cited by Labcorp Genetics (formerly Invitae), Labcorp and Broad Center for Mendelian Genomics, Broad Institute of MIT and Harvard); PubMed 31965297 (cited by Labcorp Genetics (formerly Invitae), Labcorp); PubMed 1391960 (cited by Labcorp Genetics (formerly Invitae), Labcorp); PubMed 1885770 (cited by Labcorp Genetics (formerly Invitae), Labcorp); PubMed 2023926 (cited by Labcorp Genetics (formerly Invitae), Labcorp); PubMed 18815062 (cited by Broad Center for Mendelian Genomics, Broad Institute of MIT and Harvard); PubMed 27725636 (cited by Broad Center for Mendelian Genomics, Broad Institute of MIT and Harvard).